The following is an entry in ClinVar:

NM_024529.5(CDC73):c.1469A>G (p.Gln490Arg)

Gene: CDC73 (cell division cycle 73; plus strand). Cytogenetic location: 1q31.2.
Variant type: single nucleotide variant.
Coding change: c.1469A>G on transcript NM_024529.5 (MANE Select); coding-DNA position 1469, A replaced by G.
Protein change: p.Gln490Arg; replaces glutamine 490 with arginine.
Molecular consequence: missense variant.
Genome position (GRCh38, 1-based): chr1:193,249,781, A>G. VCF-style: chr1-193249781-A-G. GRCh37 (hg19) VCF-style: chr1-193218911-A-G.
Other names: c.1469A>G (NM_024529.4); short protein forms Q490R.
Identifiers: ClinVar variation 1402165 (VCV001402165.9), dbSNP rs2102073385, ClinGen allele CA344078448.
Genomic context (GRCh38, chr1:193,249,781, plus strand): 5'-TCTCTATAGTTAAAGCCTTCCATCTGAAGTATGATGAAGTTCGTCTGGATCCAAATGTTC[A>G]GAAATGGGATGTAACAGTATTAGAACTCAGCTATCACAAACGTCATTTGGATAGACCAGT-3'
Protein context (NP_078805.3, residues 480-500): YDEVRLDPNV[Gln490Arg]KWDVTVLELS

ClinVar aggregate classification (germline): Uncertain significance. Review status: criteria provided, multiple submitters, no conflicts (2 of 4 stars). 2 submissions from 2 submitters: Uncertain significance (2). Last evaluated 2024-11-27.

Conditions:
Hereditary cancer-predisposing syndrome. Also called: Hereditary neoplastic syndrome; Hereditary Cancer Syndrome; Neoplastic Syndromes, Hereditary; Tumor predisposition. Identifiers: Orphanet 140162, MedGen C0027672, MeSH D009386, MONDO:0015356.
Parathyroid carcinoma (PRTC). Also called: Parathyroid gland carcinoma; CDC73-Related Parathyroid Carcinoma. Identifiers: Orphanet 143, MedGen C0687150, MONDO:0012004, OMIM 608266, HP:0006780.

Allele frequency attached by ClinVar (database versions not stated): gnomAD exomes below 0.00001.
gnomAD v4.1: 2 of 1,610,910 alleles (0.00012%); highest among the groups gnomAD compares: Non-Finnish European, 0.00017%; no homozygotes.

Submissions (2):

Ambry Genetics
Classification: Uncertain significance for Hereditary cancer-predisposing syndrome. Last evaluated: 2024-11-27. Review status: criteria provided, single submitter. Criteria: Ambry Variant Classification Scheme 2023. Collection method: clinical testing. Allele origin: germline.

Labcorp Genetics (formerly Invitae), Labcorp
Classification: Uncertain significance for Parathyroid carcinoma. Last evaluated: 2021-06-20. Review status: criteria provided, single submitter. Criteria: Invitae Variant Classification Sherloc (09022015). Collection method: clinical testing. Allele origin: germline.
Comment: In summary, the available evidence is currently insufficient to determine the role of this variant in disease. Therefore, it has been classified as a Variant of Uncertain Significance. Algorithms developed to predict the effect of missense changes on protein structure and function are either unavailable or do not agree on the potential impact of this missense change (SIFT: "Tolerated"; PolyPhen-2: "Possibly Damaging"; Align-GVGD: "Class C0"). This variant has not been reported in the literature in individuals with CDC73-related conditions. This variant is not present in population databases (ExAC no frequency). This sequence change replaces glutamine with arginine at codon 490 of the CDC73 protein (p.Gln490Arg). The glutamine residue is moderately conserved and there is a small physicochemical difference between glutamine and arginine.